The following is an entry in ClinVar:

ClinVar aggregate classification (germline): Conflicting classifications of pathogenicity. Review status: criteria provided, conflicting classifications (1 of 4 stars). 5 submissions from 5 submitters: Uncertain significance (3); Likely benign (2). Last evaluated 2026-05-12.

Conditions:
TTN-related disorder. Also called: TTN-related condition; TTN-related disease; TTN-related disorders.
Cardiomyopathy (CMYO). Also called: Cardiomyopathies. Identifiers: Orphanet 167848, MedGen C0878544, MONDO:0004994, HP:0001638. Inheritance: Various modes of inheritance.

Allele frequency attached by ClinVar (database versions not stated): gnomAD 0.00003; TOPMed 0.00005.
gnomAD v4.1: 71 of 1,613,752 alleles (0.0044%); highest among the groups gnomAD compares: Non-Finnish European, 0.0057%; no homozygotes.

Submissions (5):

PreventionGenetics, part of Exact Sciences
Classification: Uncertain significance for TTN-related condition. Last evaluated: 2026-05-12. Review status: criteria provided, single submitter. Criteria: ACMG Guidelines, 2015. Collection method: clinical testing. Allele origin: germline.
Comment: The TTN c.11756C>A variant is predicted to result in the amino acid substitution p.Thr3919Asn. To our knowledge, this variant has not been reported in the literature. This variant is reported in 0.0094% of alleles in individuals of European (Non-Finnish) descent in gnomAD. At this time, the clinical significance of this variant is uncertain due to the absence of conclusive functional and genetic evidence.

Molecular Diagnostic Laboratory for Inherited Cardiovascular Disease, Montreal Heart Institute
Classification: Likely benign. Last evaluated: 2025-04-09. Review status: criteria provided, single submitter. Criteria: ACMG Guidelines, 2015. Collection method: clinical testing. Allele origin: germline. Affected: no.

GeneDx
Classification: Likely benign. Last evaluated: 2018-04-27. Review status: criteria provided, single submitter. Criteria: GeneDx Variant Classification (06012015). Collection method: clinical testing. Allele origin: germline. Affected: yes.
Comment: This variant is considered likely benign or benign based on one or more of the following criteria: it is a conservative change, it occurs at a poorly conserved position in the protein, it is predicted to be benign by multiple in silico algorithms, and/or has population frequency not consistent with disease.

CHEO Genetics Diagnostic Laboratory, Children's Hospital of Eastern Ontario
Classification: Uncertain significance for Cardiomyopathy. Last evaluated: 2017-04-24. Review status: criteria provided, single submitter. Criteria: ACMG Guidelines, 2015. Collection method: clinical testing. Allele origin: germline. Study: Canadian Open Genetics Repository.

Laboratory for Molecular Medicine, Mass General Brigham Personalized Medicine
Classification: Uncertain significance. Last evaluated: 2013-08-11. Review status: criteria provided, single submitter. Criteria: LMM Criteria. Collection method: clinical testing. Allele origin: germline. Observed: 1 variant allele.
Comment: The Thr3681Asn variant in TTN has not been reported in individuals with cardiomy opathy or in large population studies. Computational analyses are limited or una vailable for this variant. Additional studies are needed to fully assess the cli nical significance of this variant.

NM_001267550.2(TTN):c.11756C>A (p.Thr3919Asn)

Gene: TTN (titin; minus strand). Cytogenetic location: 2q31.2.
Variant type: single nucleotide variant.
Coding change: c.11756C>A on transcript NM_001267550.2 (MANE Select); coding-DNA position 11756, C replaced by A.
Protein change: p.Thr3919Asn; replaces threonine 3919 with asparagine.
Molecular consequence: missense variant. On other transcripts: intron variant (1).
Genome position (GRCh38, 1-based): chr2:178,741,477, G>T on the plus strand (C>A on the coding strand, the complement: TTN is on the minus strand). VCF-style: chr2-178741477-G-T. GRCh37 (hg19) VCF-style: chr2-179606204-G-T.
Other names: c.10667C>A, p.Thr3556Asn (NM_003319.4); c.11243C>A, p.Thr3748Asn (NM_133437.4); c.10361-3117C>A (NM_133378.4); c.10805C>A, p.Thr3602Asn (NM_001256850.1); c.11042C>A, p.Thr3681Asn (NM_133432.3); short protein forms T3681N, T3919N, T3602N, T3556N, T3748N.
Identifiers: ClinVar variation 166243 (VCV000166243.22), dbSNP rs727503661, ClinGen allele CA179048.
Genomic context (GRCh38, chr2:178,741,477, plus strand): 5'-TGAGGAGGACAAGGACCTCCCAGCTTTTCCAGAGATTTTGCCACTGCTGATTCTGTTTCA[G>T]TGTCTTTGTGACCCTCTCCTTTGGAATTAATTTTTAGATAGGCACTACATATTGTCTTTC-3'
Protein context (NP_001254479.2, residues 3909-3929): INSKGEGHKD[Thr3919Asn]ETESAVAKSL